The following is an entry in ClinVar:

ClinVar aggregate classification (germline): Uncertain significance (1 of 4 stars; one submission).

Conditions:
Inborn genetic diseases. Identifiers: MedGen C0950123, MeSH D030342.

gnomAD v4.1: 9 of 1,610,866 alleles (0.00056%); highest among the groups gnomAD compares: South Asian, 0.0077%; no homozygotes.

Submission:

Ambry Genetics
Classification: Uncertain significance for Inborn genetic diseases. Last evaluated: 2025-02-09. Review status: criteria provided, single submitter. Criteria: Ambry Variant Classification Scheme 2023. Collection method: clinical testing. Allele origin: germline.
Comment: The p.S1011L variant (also known as c.3032C>T), located in coding exon 14 of the MECOM gene, results from a C to T substitution at nucleotide position 3032. The serine at codon 1011 is replaced by leucine, an amino acid with dissimilar properties. This amino acid position is conserved. In addition, the in silico prediction for this alteration is inconclusive. Based on the available evidence, the clinical significance of this variant remains unclear.

NM_004991.4(MECOM):c.3032C>T (p.Ser1011Leu)

Gene: MECOM (MDS1 and EVI1 complex locus; minus strand). Cytogenetic location: 3q26.2.
Variant type: single nucleotide variant.
Coding change: c.3032C>T on transcript NM_004991.4 (MANE Select); coding-DNA position 3032, C replaced by T.
Protein change: p.Ser1011Leu; replaces serine 1011 with leucine.
Molecular consequence: missense variant.
Genome position (GRCh38, 1-based): chr3:169,093,090, G>A on the plus strand (C>T on the coding strand, the complement: MECOM is on the minus strand). VCF-style: chr3-169093090-G-A. GRCh37 (hg19) VCF-style: chr3-168810878-G-A.
Other names: c.2663C>T, p.Ser888Leu (NM_001105077.4); c.2468C>T, p.Ser823Leu (NM_001105078.4, NM_001205194.2, NM_001366469.2 and 1 more transcripts); c.2444C>T, p.Ser815Leu (NM_001163999.2, NM_001366470.2); c.2441C>T, p.Ser814Leu (NM_001164000.2, NM_001366471.2, NM_001366472.2); c.3005C>T, p.Ser1002Leu (NM_001366466.2); c.2471C>T, p.Ser824Leu (NM_001366467.2, NM_001366468.2); c.2033C>T, p.Ser678Leu (NM_001366473.2); c.1469C>T, p.Ser490Leu (NM_001366474.2); short protein forms S1002L, S1011L, S823L, S824L, S888L, S490L, S678L, S815L.
Identifiers: ClinVar variation 3871819 (VCV003871819.1).